The following is an entry in ClinVar:

NM_080680.3(COL11A2):c.3748C>T (p.Pro1250Ser)

Gene: COL11A2 (collagen type XI alpha 2 chain; minus strand). Cytogenetic location: 6p21.32.
Variant type: single nucleotide variant.
Coding change: c.3748C>T on transcript NM_080680.3 (MANE Select); coding-DNA position 3748, C replaced by T.
Protein change: p.Pro1250Ser; replaces proline 1250 with serine.
Molecular consequence: missense variant.
Genome position (GRCh38, 1-based): chr6:33,169,433, G>A on the plus strand (C>T on the coding strand, the complement: COL11A2 is on the minus strand). VCF-style: chr6-33169433-G-A. GRCh37 (hg19) VCF-style: chr6-33137210-G-A.
Other names: c.3748C>T (NM_080680.2); c.3427C>T, p.Pro1143Ser (NM_080679.3); c.3490C>T, p.Pro1164Ser (NM_080681.3); short protein forms P1143S, P1164S, P1250S.
Identifiers: ClinVar variation 2174890 (VCV002174890.6), dbSNP rs867893993, ClinGen allele CA137064280.

ClinVar aggregate classification (germline): Benign. Review status: criteria provided, single submitter (1 of 4 stars). 2 submissions from 2 submitters: Benign (1). 1 of the submissions does not count toward it. Last evaluated 2025-04-26.

Conditions:
COL11A2-related disorder. Also called: COL11A2-related condition; COL11A2-related disorders.

Allele frequency attached by ClinVar (database versions not stated): gnomAD exomes below 0.00001; gnomAD 0.00002; TOPMed 0.00003.
gnomAD v4.1: 9 of 1,612,818 alleles (0.00056%); highest among the groups gnomAD compares: African/African-American, 0.012%; no homozygotes.

Submissions (2):

Labcorp Genetics (formerly Invitae), Labcorp
Classification: Benign. Last evaluated: 2025-04-26. Review status: criteria provided, single submitter. Criteria: Invitae Variant Classification Sherloc (09022015). Collection method: clinical testing. Allele origin: germline.

PreventionGenetics, part of Exact Sciences
Classification: Uncertain significance for COL11A2-related condition. Last evaluated: 2023-11-15. Review status: no assertion criteria provided. Collection method: clinical testing. Allele origin: germline. Not counted in ClinVar's aggregate classification.
Comment: The COL11A2 c.3748C>T variant is predicted to result in the amino acid substitution p.Pro1250Ser. To our knowledge, this variant has not been reported in the literature. This variant is reported in 0.013% of alleles in individuals of African descent in gnomAD. At this time, the clinical significance of this variant is uncertain due to the absence of conclusive functional and genetic evidence.